The following is an entry in ClinVar:

ClinVar aggregate classification (germline): Uncertain significance. Review status: criteria provided, multiple submitters, no conflicts (2 of 4 stars). 3 submissions from 3 submitters: Uncertain significance (3). Last evaluated 2026-05-07.

Conditions:
Neuropathy, hereditary sensory, type 2C. Also called: Hereditary sensory and autonomic neuropathy type IIC; KIF1A-Related HSAN2 (HSAN2C). Identifiers: Orphanet 970, MedGen C3280168, MONDO:0013634, OMIM 614213.
Intellectual disability, autosomal dominant 9 (NESCAVS). Also called: KIF1A-Related Neurodevelopmental Disorder; NESCAV SYNDROME. Identifiers: Orphanet 662367, MedGen C5393830, MONDO:0013656, OMIM 614255.
Spastic paraplegia 30B, autosomal recessive. Identifiers: MedGen C5935571, MONDO:0971149, OMIM 620607.
Spastic paraplegia 30A, autosomal dominant. Identifiers: MedGen CN380650, MONDO:0700307, OMIM 610357.
Hereditary spastic paraplegia 30. Identifiers: Orphanet 101010, MedGen C5235139, MONDO:0012476.

Submissions (3):

Clinical Genomics Laboratory, Washington University in St. Louis
Classification: Uncertain significance for Intellectual disability, autosomal dominant 9; Neuropathy, hereditary sensory, type 2C; Spastic paraplegia 30A, autosomal dominant; Spastic paraplegia 30B, autosomal recessive. Last evaluated: 2026-05-07. Review status: criteria provided, single submitter. Criteria: ACMG Guidelines, 2015. Collection method: clinical testing. Allele origin: germline.
Comment: The KIF1A c.536A>G (p.Glu179Gly) variant has been reported in one individual affected with KAND (Baldridge D et al., PMID: 28252636; Lin Q et al., PMID: 41310149). This variant has been reported in the ClinVar database as a germline variant of uncertain significance by two submitters. This variant is absent from the general population (gnomAD v4.1.1), indicating it is not a common variant. Computational predictors indicate that the variant is damaging, evidence that correlates with impact to KIF1A function. Due to limited information, and based on ACMG/AMP guidelines for variant interpretation (Richards S et al., PMID: 25741868), the clinical significance of this variant is uncertain at this time.

GeneDx
Classification: Uncertain significance. Last evaluated: 2024-05-13. Review status: criteria provided, single submitter. Criteria: GeneDx Variant Classification Process June 2021. Collection method: clinical testing. Allele origin: germline. Affected: yes.
Comment: Identified in trans with a second KIF1A variant in a patient seizures, brain atrophy, and abnormal tone (PMID: 33880452); Not observed at significant frequency in large population cohorts (gnomAD); In silico analysis supports that this missense variant has a deleterious effect on protein structure/function; This variant is associated with the following publications: (PMID: 21820098, 21376300, 26125038, 33880452)

Labcorp Genetics (formerly Invitae), Labcorp
Classification: Uncertain significance for Hereditary spastic paraplegia 30; Neuropathy, hereditary sensory, type 2C; Intellectual disability, autosomal dominant 9. Last evaluated: 2023-10-06. Review status: criteria provided, single submitter. Criteria: Invitae Variant Classification Sherloc (09022015). Collection method: clinical testing. Allele origin: germline.
Comment: This sequence change replaces glutamic acid, which is acidic and polar, with glycine, which is neutral and non-polar, at codon 179 of the KIF1A protein (p.Glu179Gly). This variant is not present in population databases (gnomAD no frequency). This missense change has been observed in individual(s) with hereditary spastic paraplegia (PMID: 33880452). ClinVar contains an entry for this variant (Variation ID: 245789). Advanced modeling of protein sequence and biophysical properties (such as structural, functional, and spatial information, amino acid conservation, physicochemical variation, residue mobility, and thermodynamic stability) performed at Invitae indicates that this missense variant is expected to disrupt KIF1A protein function. In summary, the available evidence is currently insufficient to determine the role of this variant in disease. Therefore, it has been classified as a Variant of Uncertain Significance.

Literature cited by the submitters: PubMed 33880452 (cited by Labcorp Genetics (formerly Invitae), Labcorp).

NM_001244008.2(KIF1A):c.536A>G (p.Glu179Gly)

Gene: KIF1A (kinesin family member 1A; minus strand). Cytogenetic location: 2q37.3.
Variant type: single nucleotide variant.
Coding change: c.536A>G on transcript NM_001244008.2 (MANE Select); coding-DNA position 536, A replaced by G.
Protein change: p.Glu179Gly; replaces glutamic acid 179 with glycine.
Molecular consequence: missense variant.
Genome position (GRCh38, 1-based): chr2:240,786,407, T>C on the plus strand (A>G on the coding strand, the complement: KIF1A is on the minus strand). VCF-style: chr2-240786407-T-C. GRCh37 (hg19) VCF-style: chr2-241725824-T-C.
Other names: c.536A>G, p.Glu179Gly (NM_001320705.2, NM_001330289.2, NM_001330290.2 and 20 more transcripts); short protein forms E179G.
Identifiers: ClinVar variation 245789 (VCV000245789.9), dbSNP rs879253948, ClinGen allele CA10584199.